The following is an entry in ClinVar:

NM_001042492.3(NF1):c.7829T>C (p.Leu2610Pro)

Gene: NF1 (neurofibromin 1; plus strand). Cytogenetic location: 17q11.2.
Variant type: single nucleotide variant.
Coding change: c.7829T>C on transcript NM_001042492.3 (MANE Select); coding-DNA position 7829, T replaced by C.
Protein change: p.Leu2610Pro; replaces leucine 2610 with proline.
Molecular consequence: missense variant.
Genome position (GRCh38, 1-based): chr17:31,357,050, T>C. VCF-style: chr17-31357050-T-C. GRCh37 (hg19) VCF-style: chr17-29684068-T-C.
Other names: c.7766T>C, p.Leu2589Pro (NM_000267.4); short protein forms L2610P, L2589P.
Identifiers: ClinVar variation 1760520 (VCV001760520.7), dbSNP rs2151582435, ClinGen allele CA399018600.

ClinVar aggregate classification (germline): Uncertain significance. Review status: criteria provided, multiple submitters, no conflicts (2 of 4 stars). 2 submissions from 2 submitters: Uncertain significance (2). Last evaluated 2022-07-25.

Conditions:
Cardiovascular phenotype. Identifiers: MedGen CN230736.
Hereditary cancer-predisposing syndrome. Also called: Neoplastic Syndromes, Hereditary; Tumor predisposition; Hereditary neoplastic syndrome; Hereditary Cancer Syndrome. Identifiers: Orphanet 140162, MedGen C0027672, MeSH D009386, MONDO:0015356.
Neurofibromatosis, type 1 (NF1). Also called: Peripheral type neurofibromatosis; VON RECKLINGHAUSEN DISEASE; NEUROFIBROMATOSIS, TYPE I, SOMATIC; Neurofibromatosis, type I. Identifiers: Orphanet 636, MedGen C0027831, MONDO:0018975, OMIM 162200. Disease mechanism: loss of function.

Submissions (2):

Ambry Genetics
Classification: Uncertain significance for Cardiovascular phenotype; Hereditary cancer-predisposing syndrome. Last evaluated: 2022-07-25. Review status: criteria provided, single submitter. Criteria: Ambry Variant Classification Scheme 2023. Collection method: clinical testing. Allele origin: germline.
Comment: The p.L2589P variant (also known as c.7766T>C), located in coding exon 52 of the NF1 gene, results from a T to C substitution at nucleotide position 7766. The leucine at codon 2589 is replaced by proline, an amino acid with similar properties. This amino acid position is conserved. In addition, this alteration is predicted to be deleterious by in silico analysis. Since supporting evidence is limited at this time, the clinical significance of this alteration remains unclear.

Labcorp Genetics (formerly Invitae), Labcorp
Classification: Uncertain significance for Neurofibromatosis, type 1. Last evaluated: 2021-11-24. Review status: criteria provided, single submitter. Criteria: Invitae Variant Classification Sherloc (09022015). Collection method: clinical testing. Allele origin: germline.
Comment: This sequence change replaces leucine, which is neutral and non-polar, with proline, which is neutral and non-polar, at codon 2589 of the NF1 protein (p.Leu2589Pro). This variant is not present in population databases (gnomAD no frequency). This variant has not been reported in the literature in individuals affected with NF1-related conditions. Advanced modeling of protein sequence and biophysical properties (such as structural, functional, and spatial information, amino acid conservation, physicochemical variation, residue mobility, and thermodynamic stability) performed at Invitae indicates that this missense variant is expected to disrupt NF1 protein function. In summary, the available evidence is currently insufficient to determine the role of this variant in disease. Therefore, it has been classified as a Variant of Uncertain Significance.